The following is an entry in ClinVar:

ClinVar aggregate classification (germline): Uncertain significance (0 of 4 stars; one submission).

Conditions:
ENTPD1-related disorder. Also called: ENTPD1-related condition.

Submission:

PreventionGenetics, part of Exact Sciences
Classification: Uncertain significance for ENTPD1-related condition. Last evaluated: 2024-05-08. Review status: no assertion criteria provided. Collection method: clinical testing. Allele origin: germline.
Comment: The ENTPD1 c.572A>G variant is predicted to result in the amino acid substitution p.Gln191Arg. To our knowledge, this variant has not been reported in the literature or in a large population database, indicating this variant is rare. Based on available splicing prediction programs (Alamut Visual v1.6.1), this variant is predicted to weaken the canonical splice donor site; however, the use of computer prediction programs is not equivalent to functional evidence. At this time, the clinical significance of this variant is uncertain due to the absence of conclusive functional and genetic evidence.

NM_001776.6(ENTPD1):c.572A>G (p.Gln191Arg)

Genes: ENTPD1 (ectonucleoside triphosphate diphosphohydrolase 1; plus strand), ENTPD1-AS1 (ENTPD1 antisense RNA 1; minus strand). Cytogenetic location: 10q24.1.
Variant type: single nucleotide variant.
Coding change: c.572A>G on transcript NM_001776.6 (MANE Select); coding-DNA position 572, A replaced by G.
Protein change: p.Gln191Arg; replaces glutamine 191 with arginine.
Molecular consequence: missense variant.
Genome position (GRCh38, 1-based): chr10:95,844,634, A>G. VCF-style: chr10-95844634-A-G. GRCh37 (hg19) VCF-style: chr10-97604391-A-G.
Other names: c.593A>G, p.Gln198Arg (NM_001098175.2); c.608A>G, p.Gln203Arg (NM_001164178.1, NM_001320916.1); c.572A>G, p.Gln191Arg (NM_001164179.2); c.248A>G, p.Gln83Arg (NM_001164181.1, NM_001312654.1); c.158A>G, p.Gln53Arg (NM_001164182.2, NM_001164183.2); short protein forms Q191R, Q198R, Q203R, Q53R, Q83R.
Identifiers: ClinVar variation 3345086 (VCV003345086.1).